The following is an entry in ClinVar:

ClinVar aggregate classification (germline): Uncertain significance (1 of 4 stars; one submission).

Conditions:
Inborn genetic diseases. Identifiers: MedGen C0950123, MeSH D030342.

Allele frequency attached by ClinVar (database versions not stated): TOPMed 0.00001.
gnomAD v4.1: 1 of 1,612,638 alleles (0.000062%); highest among the groups gnomAD compares: African/African-American, 0.0013%; no homozygotes.

Submission:

Ambry Genetics
Classification: Uncertain significance for Inborn genetic diseases. Last evaluated: 2023-04-19. Review status: criteria provided, single submitter. Criteria: Ambry Variant Classification Scheme 2023. Collection method: clinical testing. Allele origin: germline.
Comment: The p.K1557E variant (also known as c.4669A>G), located in coding exon 27 of the ATR gene, results from an A to G substitution at nucleotide position 4669. The lysine at codon 1557 is replaced by glutamic acid, an amino acid with similar properties. This amino acid position is conserved. In addition, this alteration is predicted to be tolerated by in silico analysis. Since supporting evidence is limited at this time, the clinical significance of this alteration remains unclear.

NM_001184.4(ATR):c.4669A>G (p.Lys1557Glu)

Gene: ATR (ATR checkpoint kinase; minus strand). Cytogenetic location: 3q23.
Variant type: single nucleotide variant.
Coding change: c.4669A>G on transcript NM_001184.4 (MANE Select); coding-DNA position 4669, A replaced by G.
Protein change: p.Lys1557Glu; replaces lysine 1557 with glutamic acid.
Molecular consequence: missense variant.
Genome position (GRCh38, 1-based): chr3:142,512,443, T>C on the plus strand (A>G on the coding strand, the complement: ATR is on the minus strand). VCF-style: chr3-142512443-T-C. GRCh37 (hg19) VCF-style: chr3-142231285-T-C.
Other names: c.4477A>G, p.Lys1493Glu (NM_001354579.2); short protein forms K1493E, K1557E.
Identifiers: ClinVar variation 2562492 (VCV002562492.2), dbSNP rs746399081, ClinGen allele CA354795827.